The following is an entry in ClinVar:

NM_176787.5(PIGN):c.414C>G (p.Ser138Arg)

Gene: PIGN (phosphatidylinositol glycan anchor biosynthesis class N; minus strand). Cytogenetic location: 18q21.33.
Variant type: single nucleotide variant.
Coding change: c.414C>G on transcript NM_176787.5 (MANE Select); coding-DNA position 414, C replaced by G.
Protein change: p.Ser138Arg; replaces serine 138 with arginine.
Molecular consequence: missense variant.
Genome position (GRCh38, 1-based): chr18:62,157,157, G>C on the plus strand (C>G on the coding strand, the complement: PIGN is on the minus strand). VCF-style: chr18-62157157-G-C. GRCh37 (hg19) VCF-style: chr18-59824390-G-C.
Other names: c.414C>G, p.Ser138Arg (NM_012327.6); short protein forms S138R.
Identifiers: ClinVar variation 1383902 (VCV001383902.3), dbSNP rs780427906, ClinGen allele CA8982588.

ClinVar aggregate classification (germline): Uncertain significance (1 of 4 stars; one submission).

Conditions:
Multiple congenital anomalies-hypotonia-seizures syndrome 1 (MCAHS1). Also called: GLYCOSYLPHOSPHATIDYLINOSITOL BIOSYNTHESIS DEFECT 3; PIGN-CDG; Congenital disorder of glycosylation due to PIGN deficiency. Identifiers: Orphanet 280633, MedGen C3279775, MONDO:0013563, OMIM 614080.

Allele frequency attached by ClinVar (database versions not stated): gnomAD 0.00001; gnomAD exomes 0.00001 and 0.00002; ExAC 0.00003.
gnomAD v4.1: 15 of 1,606,122 alleles (0.00093%); highest among the groups gnomAD compares: South Asian, 0.016%; no homozygotes.

Submission:

Labcorp Genetics (formerly Invitae), Labcorp
Classification: Uncertain significance for Multiple congenital anomalies-hypotonia-seizures syndrome 1. Last evaluated: 2021-12-15. Review status: criteria provided, single submitter. Criteria: Invitae Variant Classification Sherloc (09022015). Collection method: clinical testing. Allele origin: germline.
Comment: This sequence change replaces serine, which is neutral and polar, with arginine, which is basic and polar, at codon 138 of the PIGN protein (p.Ser138Arg). This variant is present in population databases (rs780427906, gnomAD 0.01%). This variant has not been reported in the literature in individuals affected with PIGN-related conditions. Algorithms developed to predict the effect of missense changes on protein structure and function are either unavailable or do not agree on the potential impact of this missense change (SIFT: "Not Available"; PolyPhen-2: "Probably Damaging"; Align-GVGD: "Not Available"). In summary, the available evidence is currently insufficient to determine the role of this variant in disease. Therefore, it has been classified as a Variant of Uncertain Significance.